The following is an entry in ClinVar:

NM_001330311.2(DVL1):c.1660C>A (p.Gln554Lys)

Gene: DVL1 (dishevelled segment polarity protein 1; minus strand). Cytogenetic location: 1p36.33.
Variant type: single nucleotide variant.
Coding change: c.1660C>A on transcript NM_001330311.2 (MANE Select); coding-DNA position 1660, C replaced by A.
Protein change: p.Gln554Lys; replaces glutamine 554 with lysine.
Molecular consequence: missense variant.
Genome position (GRCh38, 1-based): chr1:1,338,031, G>T on the plus strand (C>A on the coding strand, the complement: DVL1 is on the minus strand). VCF-style: chr1-1338031-G-T. GRCh37 (hg19) VCF-style: chr1-1273411-G-T.
Other names: c.1585C>A, p.Gln529Lys (NM_004421.3); short protein forms Q554K, Q529K.
Identifiers: ClinVar variation 2407576 (VCV002407576.5), dbSNP rs780744557, ClinGen allele CA519977.

ClinVar aggregate classification (germline): Uncertain significance. Review status: criteria provided, multiple submitters, no conflicts (2 of 4 stars). 2 submissions from 2 submitters: Uncertain significance (2). Last evaluated 2024-09-30.

Conditions:
Inborn genetic diseases. Identifiers: MedGen C0950123, MeSH D030342.

Allele frequency attached by ClinVar (database versions not stated): gnomAD exomes below 0.00001; ExAC 0.00001; TOPMed 0.00001.
gnomAD v4.1: 8 of 1,611,952 alleles (0.0005%); highest among the groups gnomAD compares: African/African-American, 0.008%; no homozygotes.

Submissions (2):

Labcorp Genetics (formerly Invitae), Labcorp
Classification: Uncertain significance. Last evaluated: 2024-09-30. Review status: criteria provided, single submitter. Criteria: Invitae Variant Classification Sherloc (09022015). Collection method: clinical testing. Allele origin: germline.
Comment: This sequence change replaces glutamine, which is neutral and polar, with lysine, which is basic and polar, at codon 529 of the DVL1 protein (p.Gln529Lys). The frequency data for this variant in the population databases is considered unreliable, as metrics indicate poor data quality at this position in the gnomAD database. This variant has not been reported in the literature in individuals affected with DVL1-related conditions. ClinVar contains an entry for this variant (Variation ID: 2407576). Invitae Evidence Modeling of protein sequence and biophysical properties (such as structural, functional, and spatial information, amino acid conservation, physicochemical variation, residue mobility, and thermodynamic stability) indicates that this missense variant is not expected to disrupt DVL1 protein function with a negative predictive value of 80%. In summary, the available evidence is currently insufficient to determine the role of this variant in disease. Therefore, it has been classified as a Variant of Uncertain Significance.

Ambry Genetics
Classification: Uncertain significance for Inborn genetic diseases. Last evaluated: 2021-09-16. Review status: criteria provided, single submitter. Criteria: Ambry Variant Classification Scheme 2023. Collection method: clinical testing. Allele origin: germline.